The following is an entry in ClinVar:

NM_012092.4(ICOS):c.*58T>G

Gene: ICOS (inducible T cell costimulator; plus strand). Cytogenetic location: 2q33.2.
Variant type: single nucleotide variant.
Coding change: c.*58T>G on transcript NM_012092.4 (MANE Select); 58 bases downstream of the stop codon, T replaced by G.
Molecular consequence: 3 prime UTR variant.
Genome position (GRCh38, 1-based): chr2:203,959,657, T>G. VCF-style: chr2-203959657-T-G. GRCh37 (hg19) VCF-style: chr2-204824380-T-G.
Identifiers: ClinVar variation 333741 (VCV000333741.5), dbSNP rs551768116, ClinGen allele CA10613942.

ClinVar aggregate classification (germline): Likely benign (1 of 4 stars; one submission).

Conditions:
Immunodeficiency, common variable, 1. Also called: ANTIBODY DEFICIENCY DUE TO ICOS DEFECT. Identifiers: Orphanet 1572, Orphanet 695183, MedGen C3149378, MONDO:0011864, OMIM 607594.

Allele frequency attached by ClinVar (database versions not stated): gnomAD exomes 0.00124; TOPMed 0.00015; gnomAD 0.00078 and 0.00008; 1000 Genomes Project 30x 0.00593; 1000 Genomes Project 0.00639.

Submission:

Illumina Laboratory Services, Illumina
Classification: Likely benign for Immunodeficiency, common variable, 1. Last evaluated: 2018-01-13. Review status: criteria provided, single submitter. Criteria: ICSL Variant Classification Criteria 13 December 2019. Collection method: clinical testing. Allele origin: germline.
Comment: This variant was observed in the ICSL laboratory as part of a predisposition screen in an ostensibly healthy population. It had not been previously curated by ICSL or reported in the Human Gene Mutation Database (HGMD: prior to June 1st, 2018), and was therefore a candidate for classification through an automated scoring system. Utilizing variant allele frequency, disease prevalence and penetrance estimates, and inheritance mode, an automated score was calculated to assess if this variant is too frequent to cause the disease. Based on the score and internal cut-off values, a variant classified as likely benign is not then subjected to further curation. The score for this variant resulted in a classification of likely benign for this disease.